The following is an entry in ClinVar:

NM_001267550.2(TTN):c.103489C>T (p.Gln34497Ter)

Genes: TTN (titin; minus strand), TTN-AS1 (TTN antisense RNA 1; plus strand). Cytogenetic location: 2q31.2.
Variant type: single nucleotide variant.
Coding change: c.103489C>T on transcript NM_001267550.2 (MANE Select); coding-DNA position 103489, C replaced by T.
Protein change: p.Gln34497Ter; replaces glutamine 34497 with a stop codon.
Molecular consequence: nonsense.
Genome position (GRCh38, 1-based): chr2:178,533,126, G>A on the plus strand (C>T on the coding strand, the complement: TTN is on the minus strand). VCF-style: chr2-178533126-G-A. GRCh37 (hg19) VCF-style: chr2-179397853-G-A.
Other names: c.98566C>T, p.Gln32856Ter (NM_001256850.1); c.76294C>T, p.Gln25432Ter (NM_003319.4); c.95785C>T, p.Gln31929Ter (NM_133378.4); c.76669C>T, p.Gln25557Ter (NM_133432.3); c.76870C>T, p.Gln25624Ter (NM_133437.4); short protein forms Q25557*, Q34497*, Q25624*, Q32856*, Q25432*, Q31929*.
Identifiers: ClinVar variation 2011787 (VCV002011787.4), dbSNP rs2468480145, ClinGen allele CA349414168.

ClinVar aggregate classification (germline): Likely pathogenic (1 of 4 stars; one submission).

Conditions:
Dilated cardiomyopathy 1G (CMD1G). Identifiers: Orphanet 154, MedGen C1858763, MONDO:0011400, OMIM 604145.
Autosomal recessive limb-girdle muscular dystrophy type 2J (LGMDR10). Also called: Limb-girdle muscular dystrophy, type 2J; MUSCULAR DYSTROPHY, LIMB-GIRDLE, AUTOSOMAL RECESSIVE 10. Identifiers: Orphanet 140922, MedGen C1837342, MONDO:0012127, OMIM 608807.

Submission:

Labcorp Genetics (formerly Invitae), Labcorp
Classification: Likely pathogenic for Dilated cardiomyopathy 1G; Autosomal recessive limb-girdle muscular dystrophy type 2J. Last evaluated: 2023-12-06. Review status: criteria provided, single submitter. Criteria: Invitae Variant Classification Sherloc (09022015). Collection method: clinical testing. Allele origin: germline.
Comment: This sequence change creates a premature translational stop signal (p.Gln34497*) in the TTN gene. While this is not anticipated to result in nonsense mediated decay, it is expected to create a truncated TTN protein. This variant is not present in population databases (gnomAD no frequency). This variant has not been reported in the literature in individuals affected with TTN-related conditions. ClinVar contains an entry for this variant (Variation ID: 2011787). This variant is located in the M band of TTN (PMID: 25589632). Truncating variants in this region have been previously reported in individuals affected with autosomal recessive myopathy and muscular dystrophy (PMID: 18948003, 23975875, 24395473). Truncating variants in this region have also been identified in individuals affected with autosomal dominant dilated cardiomyopathy and/or cardio-related conditions (PMID: 27869827, 32964742). In summary, the currently available evidence indicates that the variant is pathogenic, but additional data are needed to prove that conclusively. Therefore, this variant has been classified as Likely Pathogenic.

Literature cited by the submitters: PubMed 25589632; PubMed 18948003; PubMed 23975875; PubMed 24395473; PubMed 27869827; PubMed 32964742.